The following is an entry in ClinVar:

ClinVar aggregate classification (germline): Uncertain significance. Review status: criteria provided, multiple submitters, no conflicts (2 of 4 stars). 2 submissions from 2 submitters: Uncertain significance (2). Last evaluated 2025-03-09.

Conditions:
Long QT syndrome (LQTS). Identifiers: MedGen C0023976, MeSH D008133, MONDO:0002442. Disease mechanism: loss of function. Inheritance: Various modes of inheritance.

Allele frequency attached by ClinVar (database versions not stated): TOPMed below 0.00001.

Submissions (2):

Labcorp Genetics (formerly Invitae), Labcorp
Classification: Uncertain significance for Long QT syndrome. Last evaluated: 2025-03-09. Review status: criteria provided, single submitter. Criteria: Invitae Variant Classification Sherloc (09022015). Collection method: clinical testing. Allele origin: germline.
Comment: This sequence change replaces serine, which is neutral and polar, with threonine, which is neutral and polar, at codon 599 of the KCNH2 protein (p.Ser599Thr). This variant is not present in population databases (gnomAD no frequency). This variant has not been reported in the literature in individuals affected with KCNH2-related conditions. ClinVar contains an entry for this variant (Variation ID: 3072164). An algorithm developed to predict the effect of missense changes on protein structure and function (PolyPhen-2) suggests that this variant is likely to be tolerated. In summary, the available evidence is currently insufficient to determine the role of this variant in disease. Therefore, it has been classified as a Variant of Uncertain Significance.

All of Us Research Program, National Institutes of Health
Classification: Uncertain significance for Long QT syndrome. Last evaluated: 2024-05-14. Review status: criteria provided, single submitter. Criteria: ACMG Guidelines, 2015. Collection method: clinical testing. Allele origin: germline. Inheritance: Autosomal dominant inheritance. Observed: 2 variant alleles, 2 heterozygotes.
Comment: This missense variant replaces serine with threonine at codon 599 of the KCNH2 protein. Computational prediction is inconclusive regarding the impact of this variant on protein structure and function (internally defined REVEL score threshold 0.5 < inconclusive < 0.7, PMID: 27666373). To our knowledge, functional studies have not been reported for this variant. This variant has not been reported in individuals affected with KCNH2-related disorders in the literature. This variant has not been identified in the general population by the Genome Aggregation Database (gnomAD). The available evidence is insufficient to determine the role of this variant in disease conclusively. Therefore, this variant is classified as a Variant of Uncertain Significance.

This study involves interpretation of variants in research participants for the purpose of population health screening. Participant phenotype was not available at the time of variant classification. Additional details can be found in publication PMID: 35346344, PMCID: PMC8962531

NM_000238.4(KCNH2):c.1796G>C (p.Ser599Thr)

Gene: KCNH2 (potassium voltage-gated channel subfamily H member 2; minus strand). Cytogenetic location: 7q36.1.
Variant type: single nucleotide variant.
Coding change: c.1796G>C on transcript NM_000238.4 (MANE Select); coding-DNA position 1796, G replaced by C.
Protein change: p.Ser599Thr; replaces serine 599 with threonine.
Molecular consequence: missense variant. On other transcripts: non-coding transcript variant (2).
Genome position (GRCh38, 1-based): chr7:150,951,597, C>G on the plus strand (G>C on the coding strand, the complement: KCNH2 is on the minus strand). VCF-style: chr7-150951597-C-G. GRCh37 (hg19) VCF-style: chr7-150648685-C-G.
Other names: c.776G>C, p.Ser259Thr (NM_001204798.2, NM_172057.3); c.1508G>C, p.Ser503Thr (NM_001406753.1, NM_001406756.1); c.1619G>C, p.Ser540Thr (NM_001406755.1); c.1496G>C, p.Ser499Thr (NM_001406757.1); c.1796G>C, p.Ser599Thr (NM_172056.3); short protein forms S259T, S499T, S503T, S540T, S599T.
Identifiers: ClinVar variation 3072164 (VCV003072164.3), dbSNP rs1329260732, ClinGen allele CA369858050.
Genomic context (GRCh38, chr7:150,951,597, plus strand): 5'-AAGGTGAAGTAGAGCGCCGTCACATACTTGTCCTTGATGGAGGGGCCGCCCAGGCCGCTG[C>G]TGTTGTAGGGTTTGCCTATCTGGTCGCCCAGGTTGTGCAGCCAGCCGATGCGTGAGTCCA-3'
Protein context (NP_000229.1, residues 589-609): LGDQIGKPYN[Ser599Thr]SGLGGPSIKD